The following is an entry in ClinVar:

NM_007317.3(KIF22):c.1512G>C (p.Lys504Asn)

Gene: KIF22 (kinesin family member 22; plus strand). Cytogenetic location: 16p11.2.
Variant type: single nucleotide variant.
Coding change: c.1512G>C on transcript NM_007317.3 (MANE Select); coding-DNA position 1512, G replaced by C.
Protein change: p.Lys504Asn; replaces lysine 504 with asparagine.
Molecular consequence: missense variant.
Genome position (GRCh38, 1-based): chr16:29,803,511, G>C. VCF-style: chr16-29803511-G-C. GRCh37 (hg19) VCF-style: chr16-29814832-G-C.
Other names: c.1308G>C, p.Lys436Asn (NM_001256269.2, NM_001256270.1); short protein forms K436N, K504N.
Identifiers: ClinVar variation 4700369 (VCV004700369.1).

ClinVar aggregate classification (germline): Uncertain significance (1 of 4 stars; one submission).

gnomAD v4.1: 12 of 1,614,222 alleles (0.00074%); highest among the groups gnomAD compares: Non-Finnish European, 0.001%; no homozygotes.

Submission:

Labcorp Genetics (formerly Invitae), Labcorp
Classification: Uncertain significance. Last evaluated: 2025-09-28. Review status: criteria provided, single submitter. Criteria: Invitae Variant Classification Sherloc (09022015). Collection method: clinical testing. Allele origin: germline.
Comment: This sequence change replaces lysine, which is basic and polar, with asparagine, which is neutral and polar, at codon 504 of the KIF22 protein (p.Lys504Asn). This variant is present in population databases (no rsID available, gnomAD 0.002%). This variant has not been reported in the literature in individuals affected with KIF22-related conditions. Invitae Evidence Modeling of protein sequence and biophysical properties (such as structural, functional, and spatial information, amino acid conservation, physicochemical variation, residue mobility, and thermodynamic stability) indicates that this missense variant is not expected to disrupt KIF22 protein function with a negative predictive value of 80%. In summary, the available evidence is currently insufficient to determine the role of this variant in disease. Therefore, it has been classified as a Variant of Uncertain Significance.